The following is an entry in ClinVar:

NM_000051.4(ATM):c.218A>C (p.Glu73Ala)

Gene: ATM (ATM serine/threonine kinase; plus strand). Cytogenetic location: 11q22.3.
Variant type: single nucleotide variant.
Coding change: c.218A>C on transcript NM_000051.4 (MANE Select); coding-DNA position 218, A replaced by C.
Protein change: p.Glu73Ala; replaces glutamic acid 73 with alanine.
Molecular consequence: missense variant.
Genome position (GRCh38, 1-based): chr11:108,229,210, A>C. VCF-style: chr11-108229210-A-C. GRCh37 (hg19) VCF-style: chr11-108099937-A-C.
Other names: c.218A>C, p.Glu73Ala (NM_001351834.2, NM_001351835.2, NM_001351836.2); short protein forms E73A.
Identifiers: ClinVar variation 3345591 (VCV003345591.1).

ClinVar aggregate classification (germline): Uncertain significance (0 of 4 stars; one submission).

Conditions:
ATM-related disorder. Also called: ATM-related disorders; ATM-related condition.

Submission:

PreventionGenetics, part of Exact Sciences
Classification: Uncertain significance for ATM-related condition. Last evaluated: 2024-08-15. Review status: no assertion criteria provided. Collection method: clinical testing. Allele origin: germline.
Comment: The ATM c.218A>C variant is predicted to result in the amino acid substitution p.Glu73Ala. To our knowledge, this variant has not been reported in the literature, in ClinVar, or in a large population database, indicating this variant is rare. At this time, the clinical significance of this variant is uncertain due to the absence of conclusive functional and genetic evidence.